The following is an entry in ClinVar:

ClinVar aggregate classification (germline): Likely benign (1 of 4 stars; one submission).

Allele frequency attached by ClinVar (database versions not stated): 1000 Genomes Project 30x 0.00187; 1000 Genomes Project 0.00200; gnomAD 0.00426; TOPMed 0.00427; ESP Exome Variant Server 0.00431; ExAC 0.00548.

Submission:

CeGaT Center for Human Genetics Tuebingen
Classification: Likely benign. Last evaluated: 2023-04-01. Review status: criteria provided, single submitter. Criteria: CeGaT Center For Human Genetics Tuebingen Variant Classification Criteria Version 2. Collection method: clinical testing. Allele origin: germline. Affected: yes. Observed: 1 variant allele.
Comment: GORASP1: BS2

NM_031899.4(GORASP1):c.380C>T (p.Ala127Val)

Gene: GORASP1 (golgi reassembly stacking protein 1; minus strand). Cytogenetic location: 3p22.2.
Variant type: single nucleotide variant.
Coding change: c.380C>T on transcript NM_031899.4 (MANE Select); coding-DNA position 380, C replaced by T.
Protein change: p.Ala127Val; replaces alanine 127 with valine.
Molecular consequence: missense variant. On other transcripts: non-coding transcript variant (2).
Genome position (GRCh38, 1-based): chr3:39,101,071, G>A on the plus strand (C>T on the coding strand, the complement: GORASP1 is on the minus strand). VCF-style: chr3-39101071-G-A. GRCh37 (hg19) VCF-style: chr3-39142562-G-A.
Other names: c.95C>T, p.Ala32Val (NM_001278789.2, NM_001278790.2); c.380C>T, p.Ala127Val (NM_001410726.1, NM_001410731.1); short protein forms A127V, A32V.
Identifiers: ClinVar variation 2653683 (VCV002653683.24), dbSNP rs61743223, ClinGen allele CA2323714.
Genomic context (GRCh38, chr3:39,101,071, plus strand): 5'-CTCACCTCCTGGAGAATCTGGTCCGAACCAACCACATAGTCTGTGTAGGGGCGCAGGCCG[G>A]CAAGGGCAGCAGGTGAAGATGGTTCCACATCCTGGGGAAAGAACCGCAAACCACTGGCCA-3'
Protein context (NP_114105.1, residues 117-137): DVEPSSPAAL[Ala127Val]GLRPYTDYVV